The following is an entry in ClinVar:

NM_024675.4(PALB2):c.142A>G (p.Ile48Val)

Gene: PALB2 (partner and localizer of BRCA2; minus strand). Cytogenetic location: 16p12.2.
Variant type: single nucleotide variant.
Coding change: c.142A>G on transcript NM_024675.4 (MANE Select); coding-DNA position 142, A replaced by G.
Protein change: p.Ile48Val; replaces isoleucine 48 with valine.
Molecular consequence: missense variant.
Genome position (GRCh38, 1-based): chr16:23,637,919, T>C on the plus strand (A>G on the coding strand, the complement: PALB2 is on the minus strand). VCF-style: chr16-23637919-T-C. GRCh37 (hg19) VCF-style: chr16-23649240-T-C.
Other names: short protein forms I48V.
Identifiers: ClinVar variation 186676 (VCV000186676.14), dbSNP rs786203134, ClinGen allele CA195536.

ClinVar aggregate classification (germline): Uncertain significance. Review status: criteria provided, multiple submitters, no conflicts (2 of 4 stars). 3 submissions from 3 submitters: Uncertain significance (3). Last evaluated 2025-10-23.

Conditions:
Hereditary cancer-predisposing syndrome. Also called: Neoplastic Syndromes, Hereditary; Tumor predisposition; Hereditary Cancer Syndrome; Hereditary neoplastic syndrome. Identifiers: Orphanet 140162, MedGen C0027672, MeSH D009386, MONDO:0015356.
Familial cancer of breast. Also called: BREAST CANCER, FAMILIAL; Hereditary breast cancer; hereditary breast carcinoma. Identifiers: Orphanet 227535, MedGen C0346153, MONDO:0016419, OMIM 114480. Disease mechanism: loss of function.

Allele frequency attached by ClinVar (database versions not stated): gnomAD exomes below 0.00001 and 0.00001.
gnomAD v4.1: 8 of 1,614,098 alleles (0.0005%); highest among the groups gnomAD compares: South Asian, 0.0011%; no homozygotes.

Submissions (3):

Ambry Genetics
Classification: Uncertain significance for Hereditary cancer-predisposing syndrome. Last evaluated: 2025-10-23. Review status: criteria provided, single submitter. Criteria: Ambry Variant Classification Scheme 2023. Collection method: clinical testing. Allele origin: germline.
Comment: The p.I48V variant (also known as c.142A>G), located in coding exon 3 of the PALB2 gene, results from an A to G substitution at nucleotide position 142. The isoleucine at codon 48 is replaced by valine, an amino acid with highly similar properties. In one study, this alteration was observed in 0/3236 cases with invasive epithelial ovarian cancer and 1/3431 controls (Ramus SJ et al. J. Natl. Cancer Inst., 2015 Nov;107:). This amino acid position is not well conserved in available vertebrate species. In addition, this alteration is predicted to be tolerated by in silico analysis. Since supporting evidence is limited at this time, the clinical significance of this alteration remains unclear.

Labcorp Genetics (formerly Invitae), Labcorp
Classification: Uncertain significance for Familial cancer of breast. Last evaluated: 2024-06-12. Review status: criteria provided, single submitter. Criteria: Invitae Variant Classification Sherloc (09022015). Collection method: clinical testing. Allele origin: germline.
Comment: This sequence change replaces isoleucine, which is neutral and non-polar, with valine, which is neutral and non-polar, at codon 48 of the PALB2 protein (p.Ile48Val). This variant is present in population databases (rs786203134, gnomAD 0.003%). This variant has not been reported in the literature in individuals affected with PALB2-related conditions. ClinVar contains an entry for this variant (Variation ID: 186676). An algorithm developed to predict the effect of missense changes on protein structure and function (PolyPhen-2) suggests that this variant is likely to be tolerated. In summary, the available evidence is currently insufficient to determine the role of this variant in disease. Therefore, it has been classified as a Variant of Uncertain Significance.

GeneDx
Classification: Uncertain significance. Last evaluated: 2017-05-09. Review status: criteria provided, single submitter. Criteria: GeneDx Variant Classification (06012015). Collection method: clinical testing. Allele origin: germline. Affected: yes.
Comment: This variant is denoted PALB2 c.142A>G at the cDNA level, p.Ile48Val (I48V) at the protein level, and results in the change of an Isoleucine to a Valine (ATT>GTT). PALB2 Ile48Val was not observed in 3236 cases of serous ovarian cancer, but was observed in 1/3431 controls (Ramus 2015). PALB2 Ile48Val was not observed in large population cohorts (NHLBI Exome Sequencing Project, The 1000 Genomes Consortium 2015, Lek 2016). Since Isoleucine and Valine share similar properties, this is considered a conservative amino acid substitution. PALB2 Ile48Val occurs at a position where amino acids with properties similar to Isoleucine are tolerated across species. It is located in a DNA-binding region that interacts with BRCA1 and RAD51 which is required for oligomerization as well as an important region for focal concentration at DNA damage sites (UniProt). In silico analyses predict that this variant is unlikely to alter protein structure or function. Based on currently available evidence, it is unclear whether PALB2 Ile48Val is a pathogenic or benign variant. We consider it to be a variant of uncertain significance.

Literature cited by the submitters: PubMed 26315354 (cited by Ambry Genetics).